The following is an entry in ClinVar:

ClinVar aggregate classification (germline): Uncertain significance (1 of 4 stars; one submission).

gnomAD v4.1: 1 of 1,614,140 alleles (0.000062%); no homozygotes.

Submission:

Greenwood Genetic Center Diagnostic Laboratories, Greenwood Genetic Center
Classification: Uncertain significance. Last evaluated: 2024-01-25. Review status: criteria provided, single submitter. Criteria: ACMG Guidelines, 2015. Collection method: clinical testing. Allele origin: germline. Affected: yes.
Comment: PS2, PM2, BP4

NM_001281775.3(ZMYND8):c.3075C>G (p.Ala1025=)

Gene: ZMYND8 (zinc finger MYND-type containing 8; minus strand). Cytogenetic location: 20q13.12.
Variant type: single nucleotide variant.
Coding change: c.3075C>G on transcript NM_001281775.3 (MANE Select); coding-DNA position 3075, C replaced by G.
Protein change: p.Ala1025=; no amino-acid change (alanine 1025 retained).
Molecular consequence: synonymous variant.
Genome position (GRCh38, 1-based): chr20:47,224,498, G>C on the plus strand (C>G on the coding strand, the complement: ZMYND8 is on the minus strand). VCF-style: chr20-47224498-G-C. GRCh37 (hg19) VCF-style: chr20-45853151-G-C.
Other names: c.2619C>G, p.Ala873= (NM_001281771.3); c.3015C>G, p.Ala1005= (NM_001281772.3, NM_001281773.3, NM_001363741.2); c.2877C>G, p.Ala959= (NM_001281774.3); c.2694C>G, p.Ala898= (NM_001281776.3); c.2862C>G, p.Ala954= (NM_001281777.3, NM_183048.4); c.3000C>G, p.Ala1000= (NM_001281778.3); c.2133C>G, p.Ala711= (NM_001281779.3, NM_001281780.3); c.2721C>G, p.Ala907= (NM_001281781.3); and 5 more.
Identifiers: ClinVar variation 3235857 (VCV003235857.1), dbSNP rs200126784, ClinGen allele CA315781426.